The following is an entry in ClinVar:

ClinVar aggregate classification (germline): Uncertain significance (1 of 4 stars; one submission).

Submission:

Labcorp Genetics (formerly Invitae), Labcorp
Classification: Uncertain significance. Last evaluated: 2022-06-24. Review status: criteria provided, single submitter. Criteria: Invitae Variant Classification Sherloc (09022015). Collection method: clinical testing. Allele origin: germline.
Comment: In summary, the available evidence is currently insufficient to determine the role of this variant in disease. Therefore, it has been classified as a Variant of Uncertain Significance. Algorithms developed to predict the effect of sequence changes on RNA splicing suggest that this variant may disrupt the consensus splice site. Algorithms developed to predict the effect of missense changes on protein structure and function (SIFT, PolyPhen-2, Align-GVGD) all suggest that this variant is likely to be tolerated. This variant has not been reported in the literature in individuals affected with CHM-related conditions. This variant is not present in population databases (gnomAD no frequency). This sequence change replaces serine, which is neutral and polar, with leucine, which is neutral and non-polar, at codon 522 of the CHM protein (p.Ser522Leu).

NM_000390.4(CHM):c.1565C>T (p.Ser522Leu)

Gene: CHM (CHM Rab escort protein; minus strand). Cytogenetic location: Xq21.2.
Variant type: single nucleotide variant.
Coding change: c.1565C>T on transcript NM_000390.4 (MANE Select); coding-DNA position 1565, C replaced by T.
Protein change: p.Ser522Leu; replaces serine 522 with leucine.
Molecular consequence: missense variant.
Genome position (GRCh38, 1-based): chrX:85,879,009, G>A on the plus strand (C>T on the coding strand, the complement: CHM is on the minus strand). VCF-style: chrX-85879009-G-A. GRCh37 (hg19) VCF-style: chrX-85134014-G-A.
Other names: c.1121C>T, p.Ser374Leu (NM_001320959.1, NM_001362517.1, NM_001362518.2 and 1 more transcripts); short protein forms S522L, S374L.
Identifiers: ClinVar variation 1988044 (VCV001988044.4), dbSNP rs2148126425, ClinGen allele CA413787576.